The following is an entry in ClinVar:

ClinVar aggregate classification (germline): Pathogenic (1 of 4 stars; one submission).

Submission:

GeneDx
Classification: Pathogenic. Last evaluated: 2022-11-10. Review status: criteria provided, single submitter. Criteria: GeneDx Variant Classification Process June 2021. Collection method: clinical testing. Allele origin: germline. Affected: yes.
Comment: Nonsense variant predicted to result in protein truncation or nonsense mediated decay in a gene for which loss of function is a known mechanism of disease; Not observed at significant frequency in large population cohorts (gnomAD); This variant is associated with the following publications: (PMID: 34426871, 29450569)

NM_006996.3(SLC19A2):c.1160G>A (p.Trp387Ter)

Gene: SLC19A2 (solute carrier family 19 member 2; minus strand). Cytogenetic location: 1q24.2.
Variant type: single nucleotide variant.
Coding change: c.1160G>A on transcript NM_006996.3 (MANE Select); coding-DNA position 1160, G replaced by A.
Protein change: p.Trp387Ter; replaces tryptophan 387 with a stop codon.
Molecular consequence: nonsense.
Genome position (GRCh38, 1-based): chr1:169,468,707, C>T on the plus strand (G>A on the coding strand, the complement: SLC19A2 is on the minus strand). VCF-style: chr1-169468707-C-T. GRCh37 (hg19) VCF-style: chr1-169437945-C-T.
Other names: c.557G>A, p.Trp186Ter (NM_001319667.1); short protein forms W186*, W387*.
Identifiers: ClinVar variation 2505911 (VCV002505911.1), dbSNP rs1571531732, ClinGen allele CA343127964.